The following is an entry in ClinVar:

NM_001244008.2(KIF1A):c.1038-229G>T

Gene: KIF1A (kinesin family member 1A; minus strand). Cytogenetic location: 2q37.3.
Variant type: single nucleotide variant.
Coding change: c.1038-229G>T on transcript NM_001244008.2 (MANE Select); 229 bases into the intron before coding-DNA position 1038, G replaced by T.
Molecular consequence: intron variant.
Genome position (GRCh38, 1-based): chr2:240,773,485, C>A on the plus strand (G>T on the coding strand, the complement: KIF1A is on the minus strand). VCF-style: chr2-240773485-C-A. GRCh37 (hg19) VCF-style: chr2-241712902-C-A.
Other names: c.1038-229G>T (NM_001379653.1, NM_001379650.1, NM_001379645.1 and 20 more transcripts).
Identifiers: ClinVar variation 682834 (VCV000682834.1), dbSNP rs61273688, ClinGen allele CA11176592.

ClinVar aggregate classification (germline): Benign (1 of 4 stars; one submission).

Allele frequency attached by ClinVar (database versions not stated): gnomAD 0.08568 and 0.08702; TOPMed 0.09463; 1000 Genomes Project 30x 0.13601; 1000 Genomes Project 0.13678.
gnomAD v4.1: 13,258 of 152,194 alleles (8.7%); highest among the groups gnomAD compares: East Asian, 17%; 845 homozygotes.

Submission:

GeneDx
Classification: Benign. Last evaluated: 2018-06-16. Review status: criteria provided, single submitter. Criteria: GeneDx Variant Classification (06012015). Collection method: clinical testing. Allele origin: germline. Affected: yes.
Comment: This variant is considered likely benign or benign based on one or more of the following criteria: it is a conservative change, it occurs at a poorly conserved position in the protein, it is predicted to be benign by multiple in silico algorithms, and/or has population frequency not consistent with disease.